The following is an entry in ClinVar:

NC_000011.9:g.(?_46722598)_(46761066_?)dup

Genes: F2 (coagulation factor II, thrombin; plus strand), ZNF408 (zinc finger protein 408; plus strand). Cytogenetic location: 11p11.2.
Variant type: Duplication.
Identifiers: ClinVar variation 3244538 (VCV003244538.1).

ClinVar aggregate classification (germline): Uncertain significance (1 of 4 stars; one submission).

Conditions:
Congenital prothrombin deficiency. Also called: Hereditary factor II deficiency disease; Inherited hypoprothrombinemia; Congenital factor II deficiency; Inherited prothrombin deficiency; Factor II deficiency; HYPOPROTHROMBINEMIA. Identifiers: Orphanet 325, MedGen C0272317, MONDO:0013361, OMIM 613679.

Submission:

Labcorp Genetics (formerly Invitae), Labcorp
Classification: Uncertain significance for Congenital prothrombin deficiency. Last evaluated: 2023-04-27. Review status: criteria provided, single submitter. Criteria: Invitae Variant Classification Sherloc (09022015). Collection method: clinical testing. Allele origin: unknown.
Comment: In summary, the available evidence is currently insufficient to determine the role of this variant in disease. Therefore, it has been classified as a Variant of Uncertain Significance. This variant has not been reported in the literature in individuals affected with F2-related conditions. A copy number gain of the genomic region encompassing the full coding sequence of the F2 gene has been identified. The boundaries of this event are unknown as they extend beyond the assayed region for this gene and therefore may encompass additional genes. As the precise location of this event is unknown, it may be in tandem or it may be located elsewhere in the genome.